The following is an entry in ClinVar:

NM_006269.2(RP1):c.2024A>G (p.Lys675Arg)

Gene: RP1 (RP1 axonemal microtubule associated; plus strand). Cytogenetic location: 8q12.1.
Variant type: single nucleotide variant.
Coding change: c.2024A>G on transcript NM_006269.2 (MANE Select); coding-DNA position 2024, A replaced by G.
Protein change: p.Lys675Arg; replaces lysine 675 with arginine.
Molecular consequence: missense variant. On other transcripts: intron variant (1).
Genome position (GRCh38, 1-based): chr8:54,625,906, A>G. VCF-style: chr8-54625906-A-G. GRCh37 (hg19) VCF-style: chr8-55538466-A-G.
Other names: c.787+3618A>G (NM_001375654.1); short protein forms K675R.
Identifiers: ClinVar variation 1062774 (VCV001062774.9), dbSNP rs755107767, ClinGen allele CA370992565.

ClinVar aggregate classification (germline): Uncertain significance (1 of 4 stars; one submission).

gnomAD v4.1: 2 of 1,613,912 alleles (0.00012%); highest among the groups gnomAD compares: East Asian, 0.0045%; no homozygotes.

Submission:

Labcorp Genetics (formerly Invitae), Labcorp
Classification: Uncertain significance. Last evaluated: 2024-12-05. Review status: criteria provided, single submitter. Criteria: Invitae Variant Classification Sherloc (09022015). Collection method: clinical testing. Allele origin: germline.
Comment: This sequence change replaces lysine, which is basic and polar, with arginine, which is basic and polar, at codon 675 of the RP1 protein (p.Lys675Arg). This variant is not present in population databases (gnomAD no frequency). This variant has not been reported in the literature in individuals affected with RP1-related conditions. ClinVar contains an entry for this variant (Variation ID: 1062774). An algorithm developed to predict the effect of missense changes on protein structure and function (PolyPhen-2) suggests that this variant is likely to be disruptive. In summary, the available evidence is currently insufficient to determine the role of this variant in disease. Therefore, it has been classified as a Variant of Uncertain Significance.